The following is an entry in ClinVar:

NM_001364171.2(ODAD1):c.395G>C (p.Ser132Thr)

Gene: ODAD1 (outer dynein arm docking complex subunit 1; minus strand). Cytogenetic location: 19q13.33.
Variant type: single nucleotide variant.
Coding change: c.395G>C on transcript NM_001364171.2 (MANE Select); coding-DNA position 395, G replaced by C.
Protein change: p.Ser132Thr; replaces serine 132 with threonine.
Molecular consequence: missense variant.
Genome position (GRCh38, 1-based): chr19:48,312,082, C>G on the plus strand (G>C on the coding strand, the complement: ODAD1 is on the minus strand). VCF-style: chr19-48312082-C-G. GRCh37 (hg19) VCF-style: chr19-48815339-C-G.
Other names: c.284G>C, p.Ser95Thr (NM_144577.4); short protein forms S132T, S95T.
Identifiers: ClinVar variation 1682895 (VCV001682895.8), dbSNP rs1443442774, ClinGen allele CA406664993.

ClinVar aggregate classification (germline): Uncertain significance (1 of 4 stars; one submission).

Conditions:
Primary ciliary dyskinesia. Also called: Ciliary dyskinesia. Identifiers: Orphanet 244, MedGen C0008780, MONDO:0016575, HP:0012265.

Submission:

Labcorp Genetics (formerly Invitae), Labcorp
Classification: Uncertain significance for Primary ciliary dyskinesia. Last evaluated: 2020-11-13. Review status: criteria provided, single submitter. Criteria: Invitae Variant Classification Sherloc (09022015). Collection method: clinical testing. Allele origin: germline.
Comment: This sequence change replaces serine with threonine at codon 95 of the CCDC114 protein (p.Ser95Thr). The serine residue is moderately conserved and there is a small physicochemical difference between serine and threonine. This variant is not present in population databases (ExAC no frequency). This variant has not been reported in the literature in individuals with CCDC114-related conditions. Algorithms developed to predict the effect of missense changes on protein structure and function are either unavailable or do not agree on the potential impact of this missense change (SIFT: "Tolerated"; PolyPhen-2: "Possibly Damaging"; Align-GVGD: "Class C0"). In summary, the available evidence is currently insufficient to determine the role of this variant in disease. Therefore, it has been classified as a Variant of Uncertain Significance.